The following is an entry in ClinVar:

ClinVar aggregate classification (germline): Uncertain significance (1 of 4 stars; one submission).

Conditions:
Ataxia-telangiectasia syndrome (AT). Also called: Ataxia-telangiectasia, complementation group E; Ataxia telangiectasia (A-T); LOUIS-BAR SYNDROME; ATAXIA-TELANGIECTASIA, FRESNO VARIANT; AT, COMPLEMENTATION GROUP C; Ataxia-telangiectasia. Identifiers: Orphanet 100, MedGen C0004135, MONDO:0008840, OMIM 208900.

Submission:

Labcorp Genetics (formerly Invitae), Labcorp
Classification: Uncertain significance for Ataxia-telangiectasia syndrome. Last evaluated: 2021-08-31. Review status: criteria provided, single submitter. Criteria: Invitae Variant Classification Sherloc (09022015). Collection method: clinical testing. Allele origin: germline.
Comment: This sequence change replaces arginine with serine at codon 270 of the ATM protein (p.Arg270Ser). The arginine residue is highly conserved and there is a moderate physicochemical difference between arginine and serine. This variant is not present in population databases (ExAC no frequency). This variant has not been reported in the literature in individuals affected with ATM-related conditions. Algorithms developed to predict the effect of missense changes on protein structure and function are either unavailable or do not agree on the potential impact of this missense change (SIFT: "Deleterious"; PolyPhen-2: "Possibly Damaging"; Align-GVGD: "Class C0"). In summary, the available evidence is currently insufficient to determine the role of this variant in disease. Therefore, it has been classified as a Variant of Uncertain Significance.

NM_000051.4(ATM):c.810G>C (p.Arg270Ser)

Gene: ATM (ATM serine/threonine kinase; plus strand). Cytogenetic location: 11q22.3.
Variant type: single nucleotide variant.
Coding change: c.810G>C on transcript NM_000051.4 (MANE Select); coding-DNA position 810, G replaced by C.
Protein change: p.Arg270Ser; replaces arginine 270 with serine.
Molecular consequence: missense variant.
Genome position (GRCh38, 1-based): chr11:108,244,935, G>C. VCF-style: chr11-108244935-G-C. GRCh37 (hg19) VCF-style: chr11-108115662-G-C.
Other names: c.810G>C, p.Arg270Ser (NM_001351834.2); short protein forms R270S.
Identifiers: ClinVar variation 942115 (VCV000942115.7), dbSNP rs1565371772, ClinGen allele CA382529393.